The following is an entry in ClinVar:

ClinVar aggregate classification (germline): Uncertain significance (1 of 4 stars; one submission).

Conditions:
Familial adenomatous polyposis 1 (FAP1). Also called: POLYPOSIS, ADENOMATOUS INTESTINAL; FAMILIAL ADENOMATOUS POLYPOSIS 1, ATTENUATED. Identifiers: MedGen C2713442, MONDO:0021056, OMIM 175100. Disease mechanism: loss of function.

Submission:

Labcorp Genetics (formerly Invitae), Labcorp
Classification: Uncertain significance for Familial adenomatous polyposis 1. Last evaluated: 2024-07-01. Review status: criteria provided, single submitter. Criteria: Invitae Variant Classification Sherloc (09022015). Collection method: clinical testing. Allele origin: germline.
Comment: This sequence change replaces valine, which is neutral and non-polar, with glutamic acid, which is acidic and polar, at codon 2606 of the APC protein (p.Val2606Glu). This variant is not present in population databases (gnomAD no frequency). This variant has not been reported in the literature in individuals affected with APC-related conditions. Advanced modeling of protein sequence and biophysical properties (such as structural, functional, and spatial information, amino acid conservation, physicochemical variation, residue mobility, and thermodynamic stability) performed at Invitae indicates that this missense variant is not expected to disrupt APC protein function with a negative predictive value of 95%. In summary, the available evidence is currently insufficient to determine the role of this variant in disease. Therefore, it has been classified as a Variant of Uncertain Significance.

NM_000038.6(APC):c.7817T>A (p.Val2606Glu)

Gene: APC (APC regulator of Wnt signaling pathway; plus strand). Cytogenetic location: 5q22.2.
Variant type: single nucleotide variant.
Coding change: c.7817T>A on transcript NM_000038.6 (MANE Select); coding-DNA position 7817, T replaced by A.
Protein change: p.Val2606Glu; replaces valine 2606 with glutamic acid.
Molecular consequence: missense variant. On other transcripts: non-coding transcript variant (2).
Genome position (GRCh38, 1-based): chr5:112,843,411, T>A. VCF-style: chr5-112843411-T-A. GRCh37 (hg19) VCF-style: chr5-112179108-T-A.
Other names: c.7817T>A, p.Val2606Glu (NM_001127510.3, NM_001354895.2, NM_001407450.1); c.7763T>A, p.Val2588Glu (NM_001127511.3); c.7871T>A, p.Val2624Glu (NM_001354896.2, NM_001407447.1, NM_001407448.1 and 1 more transcripts); c.7847T>A, p.Val2616Glu (NM_001354897.2); c.7742T>A, p.Val2581Glu (NM_001354898.2); c.7733T>A, p.Val2578Glu (NM_001354899.2); c.7694T>A, p.Val2565Glu (NM_001354900.2); c.7640T>A, p.Val2547Glu (NM_001354901.2, NM_001407453.1); and 11 more; short protein forms V2323E, V2565E, V2596E, V2222E, V2480E, V2547E, V2588E, V2505E.
Identifiers: ClinVar variation 2755712 (VCV002755712.3), dbSNP rs1561618472, ClinGen allele CA16038315.